The following is an entry in ClinVar:

ClinVar aggregate classification (germline): Uncertain significance (1 of 4 stars; one submission).

Conditions:
Autoimmune lymphoproliferative syndrome type 1. Also called: AUTOIMMUNE LYMPHOPROLIFERATIVE SYNDROME, TYPE I, AUTOSOMAL DOMINANT. Identifiers: Orphanet 3261, MedGen C2717884, MONDO:0011158, OMIM 601859.

Submission:

Labcorp Genetics (formerly Invitae), Labcorp
Classification: Uncertain significance for Autoimmune lymphoproliferative syndrome. Last evaluated: 2023-05-31. Review status: criteria provided, single submitter. Criteria: Invitae Variant Classification Sherloc (09022015). Collection method: clinical testing. Allele origin: germline.
Comment: In summary, the available evidence is currently insufficient to determine the role of this variant in disease. Therefore, it has been classified as a Variant of Uncertain Significance. Advanced modeling of protein sequence and biophysical properties (such as structural, functional, and spatial information, amino acid conservation, physicochemical variation, residue mobility, and thermodynamic stability) performed at Invitae indicates that this missense variant is not expected to disrupt FASLG protein function. This variant has not been reported in the literature in individuals affected with FASLG-related conditions. This variant is not present in population databases (gnomAD no frequency). This sequence change replaces arginine, which is basic and polar, with leucine, which is neutral and non-polar, at codon 115 of the FASLG protein (p.Arg115Leu).

NM_000639.3(FASLG):c.344G>T (p.Arg115Leu)

Gene: FASLG (Fas ligand; plus strand). Cytogenetic location: 1q24.3.
Variant type: single nucleotide variant.
Coding change: c.344G>T on transcript NM_000639.3 (MANE Select); coding-DNA position 344, G replaced by T.
Protein change: p.Arg115Leu; replaces arginine 115 with leucine.
Molecular consequence: missense variant.
Genome position (GRCh38, 1-based): chr1:172,659,545, G>T. VCF-style: chr1-172659545-G-T. GRCh37 (hg19) VCF-style: chr1-172628685-G-T.
Other names: c.344G>T, p.Arg115Leu (NM_001302746.2); short protein forms R115L.
Identifiers: ClinVar variation 2754112 (VCV002754112.3), dbSNP rs1023476500, ClinGen allele CA343805596.